The following is an entry in ClinVar:

NM_024753.5(TTC21B):c.737T>C (p.Val246Ala)

Gene: TTC21B (tetratricopeptide repeat domain 21B; minus strand). Cytogenetic location: 2q24.3.
Variant type: single nucleotide variant.
Coding change: c.737T>C on transcript NM_024753.5 (MANE Select); coding-DNA position 737, T replaced by C.
Protein change: p.Val246Ala; replaces valine 246 with alanine.
Molecular consequence: missense variant.
Genome position (GRCh38, 1-based): chr2:165,933,031, A>G on the plus strand (T>C on the coding strand, the complement: TTC21B is on the minus strand). VCF-style: chr2-165933031-A-G. GRCh37 (hg19) VCF-style: chr2-166789541-A-G.
Other names: short protein forms V246A.
Identifiers: ClinVar variation 2418733 (VCV002418733.5), dbSNP rs1028344308, ClinGen allele CA59759140.

ClinVar aggregate classification (germline): Uncertain significance (1 of 4 stars; one submission).

Conditions:
Jeune thoracic dystrophy. Also called: Jeune syndrome; Infantile thoracic dystrophy; Thoracic pelvic phalangeal dystrophy; Jeune's syndrome; Chondroectodermal dysplasia-like syndrome; Short-rib thoracic dysplasia. Identifiers: Orphanet 474, MedGen C0265275, MONDO:0018770.
Nephronophthisis. Also called: Juvenile Nephronophthisis. Identifiers: Orphanet 655, MedGen C0687120, MONDO:0019005, HP:0000090.

Allele frequency attached by ClinVar (database versions not stated): TOPMed below 0.00001.

Submission:

Labcorp Genetics (formerly Invitae), Labcorp
Classification: Uncertain significance for Jeune thoracic dystrophy; Nephronophthisis. Last evaluated: 2024-03-04. Review status: criteria provided, single submitter. Criteria: Invitae Variant Classification Sherloc (09022015). Collection method: clinical testing. Allele origin: germline.
Comment: This sequence change replaces valine, which is neutral and non-polar, with alanine, which is neutral and non-polar, at codon 246 of the TTC21B protein (p.Val246Ala). This variant is present in population databases (no rsID available, gnomAD 0.003%). This variant has not been reported in the literature in individuals affected with TTC21B-related conditions. ClinVar contains an entry for this variant (Variation ID: 2418733). Advanced modeling of protein sequence and biophysical properties (such as structural, functional, and spatial information, amino acid conservation, physicochemical variation, residue mobility, and thermodynamic stability) performed at Invitae indicates that this missense variant is not expected to disrupt TTC21B protein function with a negative predictive value of 95%. In summary, the available evidence is currently insufficient to determine the role of this variant in disease. Therefore, it has been classified as a Variant of Uncertain Significance.